The following is an entry in ClinVar:

ClinVar aggregate classification (germline): Uncertain significance (1 of 4 stars; one submission).

Conditions:
Ehlers-Danlos syndrome, classic type, 1 (EDSCL1). Also called: EHLERS-DANLOS SYNDROME, GRAVIS TYPE; EHLERS-DANLOS SYNDROME, SEVERE CLASSIC TYPE; Ehlers-Danlos syndrome, type 1; Ehlers-Danlos Syndrome, Classic Type, COL5A1-Related; EDS I. Identifiers: MedGen C0268335, MONDO:0019567, OMIM 130000.

Submission:

Labcorp Genetics (formerly Invitae), Labcorp
Classification: Uncertain significance for Ehlers-Danlos syndrome, classic type, 1. Last evaluated: 2024-11-25. Review status: criteria provided, single submitter. Criteria: Invitae Variant Classification Sherloc (09022015). Collection method: clinical testing. Allele origin: germline.
Comment: This sequence change replaces proline, which is neutral and non-polar, with serine, which is neutral and polar, at codon 1427 of the COL5A1 protein (p.Pro1427Ser). This variant is present in population databases (rs760415769, gnomAD 0.0009%). This variant has not been reported in the literature in individuals affected with COL5A1-related conditions. Invitae Evidence Modeling of protein sequence and biophysical properties (such as structural, functional, and spatial information, amino acid conservation, physicochemical variation, residue mobility, and thermodynamic stability) indicates that this missense variant is not expected to disrupt COL5A1 protein function with a negative predictive value of 95%. In summary, the available evidence is currently insufficient to determine the role of this variant in disease. Therefore, it has been classified as a Variant of Uncertain Significance.

NM_000093.5(COL5A1):c.4279C>T (p.Pro1427Ser)

Gene: COL5A1 (collagen type V alpha 1 chain; plus strand). Cytogenetic location: 9q34.3.
Variant type: single nucleotide variant.
Coding change: c.4279C>T on transcript NM_000093.5 (MANE Select); coding-DNA position 4279, C replaced by T.
Protein change: p.Pro1427Ser; replaces proline 1427 with serine.
Molecular consequence: missense variant.
Genome position (GRCh38, 1-based): chr9:134,818,704, C>T. VCF-style: chr9-134818704-C-T. GRCh37 (hg19) VCF-style: chr9-137710550-C-T.
Other names: c.4279C>T, p.Pro1427Ser (NM_001278074.1); short protein forms P1427S.
Identifiers: ClinVar variation 3717593 (VCV003717593.2).
Genomic context (GRCh38, chr9:134,818,704, plus strand): 5'-GCCGTCCTGCAGGGAGAAGCCGGCTTGGAAGGCCCTCCTGGGAAGACTGGCCCCATCGGC[C>T]CCCAGGGGGCCCCTGGGAAGCCCGGACCGGATGGCCTTCGAGGGATCCCTGGCCCTGTGG-3'
Protein context (NP_000084.3, residues 1417-1437): GPPGKTGPIG[Pro1427Ser]QGAPGKPGPD